The following is an entry in ClinVar:

NM_001031709.3(RNLS):c.253G>A (p.Val85Ile)

Gene: RNLS (renalase, FAD dependent amine oxidase; minus strand). Cytogenetic location: 10q23.31.
Variant type: single nucleotide variant.
Coding change: c.253G>A on transcript NM_001031709.3 (MANE Select); coding-DNA position 253, G replaced by A.
Protein change: p.Val85Ile; replaces valine 85 with isoleucine.
Molecular consequence: missense variant.
Genome position (GRCh38, 1-based): chr10:88,581,681, C>T on the plus strand (G>A on the coding strand, the complement: RNLS is on the minus strand). VCF-style: chr10-88581681-C-T. GRCh37 (hg19) VCF-style: chr10-90341438-C-T.
Other names: c.253G>A (NM_001031709.2); c.253G>A, p.Val85Ile (NM_018363.4); short protein forms V85I.
Identifiers: ClinVar variation 2177465 (VCV002177465.5), dbSNP rs143513862, ClinGen allele CA5590540.

ClinVar aggregate classification (germline): Conflicting classifications of pathogenicity. Review status: criteria provided, conflicting classifications (1 of 4 stars). 2 submissions from 2 submitters: Uncertain significance (1); Likely benign (1). Last evaluated 2024-04-01.

Allele frequency attached by ClinVar (database versions not stated): ESP Exome Variant Server 0.00015.
gnomAD v4.1: 54 of 1,588,352 alleles (0.0034%); highest among the groups gnomAD compares: African/African-American, 0.0041%; no homozygotes.

Submissions (2):

Ambry Genetics
Classification: Likely benign. Last evaluated: 2024-04-01. Review status: criteria provided, single submitter. Criteria: Ambry Variant Classification Scheme 2023. Collection method: clinical testing. Allele origin: germline.

Labcorp Genetics (formerly Invitae), Labcorp
Classification: Uncertain significance. Last evaluated: 2022-07-30. Review status: criteria provided, single submitter. Criteria: Invitae Variant Classification Sherloc (09022015). Collection method: clinical testing. Allele origin: germline.
Comment: This variant is present in population databases (rs143513862, gnomAD 0.01%). This sequence change replaces valine, which is neutral and non-polar, with isoleucine, which is neutral and non-polar, at codon 85 of the RNLS protein (p.Val85Ile). This variant has not been reported in the literature in individuals affected with RNLS-related conditions. In summary, the available evidence is currently insufficient to determine the role of this variant in disease. Therefore, it has been classified as a Variant of Uncertain Significance. Algorithms developed to predict the effect of missense changes on protein structure and function output the following: SIFT: "Tolerated"; PolyPhen-2: "Benign"; Align-GVGD: "Class C0". The isoleucine amino acid residue is found in multiple mammalian species, which suggests that this missense change does not adversely affect protein function.